The following is an entry in ClinVar:

NM_001206927.2(DNAH8):c.2227C>T (p.Arg743Cys)

Gene: DNAH8 (dynein axonemal heavy chain 8; plus strand). Cytogenetic location: 6p21.2.
Variant type: single nucleotide variant.
Coding change: c.2227C>T on transcript NM_001206927.2 (MANE Select); coding-DNA position 2227, C replaced by T.
Protein change: p.Arg743Cys; replaces arginine 743 with cysteine.
Molecular consequence: missense variant.
Genome position (GRCh38, 1-based): chr6:38,781,341, C>T. VCF-style: chr6-38781341-C-T. GRCh37 (hg19) VCF-style: chr6-38749117-C-T.
Other names: c.1576C>T, p.Arg526Cys (NM_001371.4); c.2227C>T (NM_001206927.1); short protein forms R743C, R526C.
Identifiers: ClinVar variation 2071019 (VCV002071019.5), dbSNP rs753499080, ClinGen allele CA3788456.

ClinVar aggregate classification (germline): Uncertain significance. Review status: criteria provided, multiple submitters, no conflicts (2 of 4 stars). 2 submissions from 2 submitters: Uncertain significance (2). Last evaluated 2026-08-31.

Conditions:
Primary ciliary dyskinesia. Also called: Ciliary dyskinesia. Identifiers: Orphanet 244, MedGen C0008780, MONDO:0016575, HP:0012265.

Allele frequency attached by ClinVar (database versions not stated): gnomAD exomes 0.00002; TOPMed 0.00002; ExAC 0.00002; gnomAD 0.00001.
gnomAD v4.1: 26 of 1,613,562 alleles (0.0016%); highest among the groups gnomAD compares: Middle Eastern, 0.016%; no homozygotes.

Submissions (2):

Ambry Genetics
Classification: Uncertain significance. Last evaluated: 2026-08-31. Review status: criteria provided, single submitter. Criteria: Ambry Variant Classification Scheme 2023. Collection method: clinical testing. Allele origin: germline.

Labcorp Genetics (formerly Invitae), Labcorp
Classification: Uncertain significance for Primary ciliary dyskinesia. Last evaluated: 2024-11-04. Review status: criteria provided, single submitter. Criteria: Invitae Variant Classification Sherloc (09022015). Collection method: clinical testing. Allele origin: germline.
Comment: This sequence change replaces arginine, which is basic and polar, with cysteine, which is neutral and slightly polar, at codon 743 of the DNAH8 protein (p.Arg743Cys). This variant is present in population databases (rs753499080, gnomAD 0.004%). This variant has not been reported in the literature in individuals affected with DNAH8-related conditions. ClinVar contains an entry for this variant (Variation ID: 2071019). Experimental studies and prediction algorithms are not available or were not evaluated, and the functional significance of this variant is currently unknown. Algorithms developed to predict the effect of sequence changes on RNA splicing suggest that this variant may disrupt the consensus splice site. In summary, the available evidence is currently insufficient to determine the role of this variant in disease. Therefore, it has been classified as a Variant of Uncertain Significance.